The following is an entry in ClinVar:

NM_004999.4(MYO6):c.3103C>T (p.Arg1035Trp)

Gene: MYO6 (myosin VI; plus strand). Cytogenetic location: 6q14.1.
Variant type: single nucleotide variant.
Coding change: c.3103C>T on transcript NM_004999.4 (MANE Select); coding-DNA position 3103, C replaced by T.
Protein change: p.Arg1035Trp; replaces arginine 1035 with tryptophan.
Molecular consequence: missense variant. On other transcripts: non-coding transcript variant (1).
Genome position (GRCh38, 1-based): chr6:75,892,686, C>T. VCF-style: chr6-75892686-C-T. GRCh37 (hg19) VCF-style: chr6-76602403-C-T.
Other names: c.3103C>T, p.Arg1035Trp (NM_001300899.2, NM_001368136.1, NM_001368137.1 and 2 more transcripts); c.3088C>T, p.Arg1030Trp (NM_001368138.1); short protein forms R1030W, R1035W.
Identifiers: ClinVar variation 2718041 (VCV002718041.3), dbSNP rs551471138, ClinGen allele CA3897543.

ClinVar aggregate classification (germline): Uncertain significance (1 of 4 stars; one submission).

Allele frequency attached by ClinVar (database versions not stated): ExAC 0.00002; TOPMed 0.00004; gnomAD 0.00006; 1000 Genomes Project 30x 0.00016; 1000 Genomes Project 0.00020.
gnomAD v4.1: 31 of 1,612,218 alleles (0.0019%); highest among the groups gnomAD compares: African/African-American, 0.011%; no homozygotes.

Submission:

Labcorp Genetics (formerly Invitae), Labcorp
Classification: Uncertain significance. Last evaluated: 2024-12-08. Review status: criteria provided, single submitter. Criteria: Invitae Variant Classification Sherloc (09022015). Collection method: clinical testing. Allele origin: germline.
Comment: This sequence change replaces arginine, which is basic and polar, with tryptophan, which is neutral and slightly polar, at codon 1035 of the MYO6 protein (p.Arg1035Trp). This variant is present in population databases (rs551471138, gnomAD 0.01%). This variant has not been reported in the literature in individuals affected with MYO6-related conditions. ClinVar contains an entry for this variant (Variation ID: 2718041). Invitae Evidence Modeling of protein sequence and biophysical properties (such as structural, functional, and spatial information, amino acid conservation, physicochemical variation, residue mobility, and thermodynamic stability) indicates that this missense variant is not expected to disrupt MYO6 protein function with a negative predictive value of 80%. In summary, the available evidence is currently insufficient to determine the role of this variant in disease. Therefore, it has been classified as a Variant of Uncertain Significance.